The following is an entry in ClinVar:

ClinVar aggregate classification (germline): Uncertain significance (1 of 4 stars; one submission).

gnomAD v4.1: 26 of 1,603,560 alleles (0.0016%); highest among the groups gnomAD compares: Non-Finnish European, 0.0022%; no homozygotes.

Submission:

Labcorp Genetics (formerly Invitae), Labcorp
Classification: Uncertain significance. Last evaluated: 2025-07-30. Review status: criteria provided, single submitter. Criteria: Invitae Variant Classification Sherloc (09022015). Collection method: clinical testing. Allele origin: germline.
Comment: This sequence change replaces proline, which is neutral and non-polar, with leucine, which is neutral and non-polar, at codon 1850 of the KMT2A protein (p.Pro1850Leu). This variant is present in population databases (no rsID available, gnomAD 0.0009%). This variant has not been reported in the literature in individuals affected with KMT2A-related conditions. ClinVar contains an entry for this variant (Variation ID: 1906338). Invitae Evidence Modeling of protein sequence and biophysical properties (such as structural, functional, and spatial information, amino acid conservation, physicochemical variation, residue mobility, and thermodynamic stability) indicates that this missense variant is not expected to disrupt KMT2A protein function with a negative predictive value of 95%. Algorithms developed to predict the effect of sequence changes on RNA splicing suggest that this variant may disrupt the consensus splice site. In summary, the available evidence is currently insufficient to determine the role of this variant in disease. Therefore, it has been classified as a Variant of Uncertain Significance.

NM_001197104.2(KMT2A):c.5549C>T (p.Pro1850Leu)

Gene: KMT2A (lysine methyltransferase 2A; plus strand). Cytogenetic location: 11q23.3.
Variant type: single nucleotide variant.
Coding change: c.5549C>T on transcript NM_001197104.2 (MANE Select); coding-DNA position 5549, C replaced by T.
Protein change: p.Pro1850Leu; replaces proline 1850 with leucine.
Molecular consequence: missense variant.
Genome position (GRCh38, 1-based): chr11:118,495,885, C>T. VCF-style: chr11-118495885-C-T. GRCh37 (hg19) VCF-style: chr11-118366600-C-T.
Other names: c.5639C>T, p.Pro1880Leu (NM_001412597.1); c.5540C>T, p.Pro1847Leu (NM_005933.4); short protein forms P1847L, P1880L, P1850L.
Identifiers: ClinVar variation 1906338 (VCV001906338.5), dbSNP rs772645105, ClinGen allele CA382839248.